The following is an entry in ClinVar:

NM_016507.4(CDK12):c.2525A>G (p.Gln842Arg)

Gene: CDK12 (cyclin dependent kinase 12; plus strand). Cytogenetic location: 17q12.
Variant type: single nucleotide variant.
Coding change: c.2525A>G on transcript NM_016507.4 (MANE Select); coding-DNA position 2525, A replaced by G.
Protein change: p.Gln842Arg; replaces glutamine 842 with arginine.
Molecular consequence: missense variant.
Genome position (GRCh38, 1-based): chr17:39,501,355, A>G. VCF-style: chr17-39501355-A-G. GRCh37 (hg19) VCF-style: chr17-37657608-A-G.
Other names: c.2525A>G, p.Gln842Arg (NM_015083.4); short protein forms Q842R.
Identifiers: ClinVar variation 5034085 (VCV005034085.1).

ClinVar aggregate classification (germline): Uncertain significance (1 of 4 stars; one submission).

gnomAD v4.1: 1 of 1,613,826 alleles (0.000062%); highest among the groups gnomAD compares: Non-Finnish European, 0.000085%; no homozygotes.

Submission:

Ambry Genetics
Classification: Uncertain significance. Last evaluated: 2026-07-09. Review status: criteria provided, single submitter. Criteria: Ambry Variant Classification Scheme 2023. Collection method: clinical testing. Allele origin: germline.
Comment: The p.Q842R variant (also known as c.2525A>G), located in coding exon 6 of the CDK12 gene, results from an A to G substitution at nucleotide position 2525. The glutamine at codon 842 is replaced by arginine, an amino acid with highly similar properties. This amino acid position is conserved. In addition, this alteration is predicted to be deleterious by in silico analysis. Based on the available evidence, the clinical significance of this variant remains unclear.